The following is an entry in ClinVar:

ClinVar aggregate classification (germline): Uncertain significance (1 of 4 stars; one submission).

Allele frequency attached by ClinVar (database versions not stated): TOPMed below 0.00001.

Submission:

Labcorp Genetics (formerly Invitae), Labcorp
Classification: Uncertain significance. Last evaluated: 2024-12-16. Review status: criteria provided, single submitter. Criteria: Invitae Variant Classification Sherloc (09022015). Collection method: clinical testing. Allele origin: germline.
Comment: This sequence change replaces valine, which is neutral and non-polar, with alanine, which is neutral and non-polar, at codon 148 of the GEN1 protein (p.Val148Ala). This variant is not present in population databases (gnomAD no frequency). This variant has not been reported in the literature in individuals affected with GEN1-related conditions. ClinVar contains an entry for this variant (Variation ID: 2906831). An algorithm developed to predict the effect of missense changes on protein structure and function outputs the following: PolyPhen-2: "Benign". The alanine amino acid residue is found in multiple mammalian species, which suggests that this missense change does not adversely affect protein function. In summary, the available evidence is currently insufficient to determine the role of this variant in disease. Therefore, it has been classified as a Variant of Uncertain Significance.

NM_001130009.3(GEN1):c.443T>C (p.Val148Ala)

Gene: GEN1 (GEN1 structure-specific endonuclease; plus strand). Cytogenetic location: 2p24.2.
Variant type: single nucleotide variant.
Coding change: c.443T>C on transcript NM_001130009.3 (MANE Select); coding-DNA position 443, T replaced by C.
Protein change: p.Val148Ala; replaces valine 148 with alanine.
Molecular consequence: missense variant.
Genome position (GRCh38, 1-based): chr2:17,764,991, T>C. VCF-style: chr2-17764991-T-C. GRCh37 (hg19) VCF-style: chr2-17946258-T-C.
Other names: c.443T>C, p.Val148Ala (NM_182625.5); short protein forms V148A.
Identifiers: ClinVar variation 2906831 (VCV002906831.3), dbSNP rs1158713087, ClinGen allele CA345909322.